The following is an entry in ClinVar:

ClinVar aggregate classification (germline): other (0 of 4 stars; one submission).

Conditions:
Familial colorectal cancer. Identifiers: MedGen CN280943, MONDO:0023113. Disease mechanism: loss of function.

Submission:

Systems Biology Platform Zhejiang California International NanoSystems Institute
Classification: other for Familial colorectal cancer. Review status: no assertion criteria provided. Collection method: not provided. Allele origin: unknown.
ClinVar note: Converted during submission from cancer to other.

NM_000038.6(APC):c.-18-7632A>G

Gene: APC (APC regulator of WNT signaling pathway; plus strand). Cytogenetic location: 5q22.2.
Variant type: single nucleotide variant.
Coding change: c.-18-7632A>G on transcript NM_000038.6 (MANE Select); 7632 bases into the intron before 18 bases upstream of the start codon, A replaced by G.
Molecular consequence: intron variant.
Genome position (GRCh38, 1-based): chr5:112,747,241, A>G. VCF-style: chr5-112747241-A-G. GRCh37 (hg19) VCF-style: chr5-112082938-A-G.
Other names: c.-18-7632A>G (NM_001354895.2, NM_001127510.3, NM_001354896.2 and 2 more transcripts); c.166-19085A>G (NM_001354897.2, NM_001354902.2, NM_001127511.3); c.60+8781A>G (NM_001354898.2, NM_001354904.2); c.-1053-7632A>G (NM_001354906.2); c.-43+9316A>G (NM_001354900.2, NM_001354901.2, NM_001354905.2).
Identifiers: ClinVar variation 82788 (VCV000082788.2), dbSNP rs79345778, ClinGen allele CA006218.
Genomic context (GRCh38, chr5:112,747,241, plus strand): 5'-GCCAAAAGCCTAGGGATAAATTTGATGTGAAAGATACAGAGGCATAGGACCTTTTTCTTG[A>G]GGGGGGAAAACCCTGGAAAATTTGATTGCAGAGGCTAAATTATTCATGAGATATAGTAAG-3'